The following is an entry in ClinVar:

NM_002108.4(HAL):c.840G>A (p.Trp280Ter)

Gene: HAL (histidine ammonia-lyase; minus strand). Cytogenetic location: 12q23.1.
Variant type: single nucleotide variant.
Coding change: c.840G>A on transcript NM_002108.4 (MANE Select); coding-DNA position 840, G replaced by A.
Protein change: p.Trp280Ter; replaces tryptophan 280 with a stop codon.
Molecular consequence: nonsense.
Genome position (GRCh38, 1-based): chr12:95,990,408, C>T on the plus strand (G>A on the coding strand, the complement: HAL is on the minus strand). VCF-style: chr12-95990408-C-T. GRCh37 (hg19) VCF-style: chr12-96384186-C-T.
Other names: c.216G>A, p.Trp72Ter (NM_001258333.2); c.840G>A, p.Trp280Ter (NM_001258334.2); short protein forms W280*, W72*.
Identifiers: ClinVar variation 2573484 (VCV002573484.1), dbSNP rs779113747, ClinGen allele CA6727837.

ClinVar aggregate classification (germline): Uncertain significance (1 of 4 stars; one submission).

Allele frequency attached by ClinVar (database versions not stated): gnomAD exomes 0.00001; gnomAD 0.00002; TOPMed 0.00003; ExAC 0.00006.
gnomAD v4.1: 12 of 1,613,566 alleles (0.00074%); highest among the groups gnomAD compares: Non-Finnish European, 0.001%; no homozygotes.

Submission:

Women's Health and Genetics/Laboratory Corporation of America, LabCorp
Classification: Uncertain significance. Last evaluated: 2023-06-30. Review status: criteria provided, single submitter. Criteria: LabCorp Variant Classification Summary - May 2015. Collection method: clinical testing. Allele origin: germline.
Comment: Variant summary: HAL c.840G>A (p.Trp280X) results in a premature termination codon, predicted to cause a truncation of the encoded protein or absence of the protein due to nonsense mediated decay, however the molecular mechanism of disease attributed to HAL is currently unknown. The variant allele was found at a frequency of 3.2e-05 in 251484 control chromosomes. The available data on variant occurrences in the general population are insufficient to allow any conclusion about variant significance. To our knowledge, no occurrence of c.840G>A in individuals affected with Histidinemia and no experimental evidence demonstrating its impact on protein function have been reported. No submitters have cited clinical-significance assessments for this variant to ClinVar after 2014. Based on the evidence outlined above, the variant was classified as uncertain significance.